The following is an entry in ClinVar:

ClinVar aggregate classification (germline): Pathogenic (1 of 4 stars; one submission).

Conditions:
Agenesis of the corpus callosum with peripheral neuropathy (ACCPN). Also called: POLYNEUROPATHY, SENSORIMOTOR, WITH OR WITHOUT AGENESIS OF THE CORPUS CALLOSUM; HMSN/ACC; CHARLEVOIX DISEASE; Hereditary Motor and Sensory Neuropathy with Agenesis of the Corpus Callosum. Identifiers: Orphanet 1496, MedGen C0795950, MONDO:0000902, OMIM 218000. Disease mechanism: loss of function.

Submission:

Myriad Genetics, Inc.
Classification: Pathogenic for Agenesis of the corpus callosum with peripheral neuropathy. Last evaluated: 2025-08-08. Review status: criteria provided, single submitter. Criteria: Myriad Autosomal Dominant, Autosomal Recessive and X-Linked Classification Criteria (2023). Collection method: clinical testing. Allele origin: unknown.
Comment: NM_133647.1(SLC12A6):c.759_764del6(Y253*) is a nonsense variant classified as pathogenic in the context of Andermann syndrome. Y253* has not been observed in cases with relevant disease. Relevant functional assessments of this variant are not available in the literature. Y253* has not been observed in referenced population frequency databases. In summary, NM_133647.1(SLC12A6):c.759_764del6(Y253*) is a nonsense variant in a gene where loss of function is a known mechanism of disease and is predicted to disrupt protein function. Please note: this variant was assessed in the context of healthy population screening.

NM_001365088.1(SLC12A6):c.759_764del (p.Tyr253_Met255delinsTer)

Gene: SLC12A6 (solute carrier family 12 member 6; minus strand). Cytogenetic location: 15q14.
Variant type: Deletion.
Coding change: c.759_764del on transcript NM_001365088.1 (MANE Select); coding-DNA positions 759 to 764, 6 bases deleted (CTTTAT; older notation c.759_764delCTTTAT).
Protein change: p.Tyr253_Met255delinsTer.
Molecular consequence: nonsense.
Genome position (GRCh38, 1-based): chr15:34,255,374-34,255,379, ATAAAG deleted on the plus strand (CTTTAT on the coding strand, the reverse complement: SLC12A6 is on the minus strand). VCF-style (leftmost placement, unchanged base first): chr15-34255373-CATAAAG-C. GRCh37 (hg19) VCF-style: chr15-34547574-CATAAAG-C.
Other names: c.582_587del, p.Tyr194_Met196delinsTer (NM_001042494.2, NM_001042495.2); c.732_737del, p.Tyr244_Met246delinsTer (NM_001042496.2); c.714_719del, p.Tyr238_Met240delinsTer (NM_001042497.2); c.606_611del, p.Tyr202_Met204delinsTer (NM_005135.2); c.759_764del, p.Tyr253_Met255delinsTer (NM_133647.2).
Identifiers: ClinVar variation 5004060 (VCV005004060.1).